The following is an entry in ClinVar:

NM_015100.4(POGZ):c.3334A>G (p.Ile1112Val)

Gene: POGZ (pogo transposable element derived with ZNF domain; minus strand). Cytogenetic location: 1q21.3.
Variant type: single nucleotide variant.
Coding change: c.3334A>G on transcript NM_015100.4 (MANE Select); coding-DNA position 3334, A replaced by G.
Protein change: p.Ile1112Val; replaces isoleucine 1112 with valine.
Molecular consequence: missense variant.
Genome position (GRCh38, 1-based): chr1:151,405,701, T>C on the plus strand (A>G on the coding strand, the complement: POGZ is on the minus strand). VCF-style: chr1-151405701-T-C. GRCh37 (hg19) VCF-style: chr1-151378177-T-C.
Other names: c.3175A>G, p.Ile1059Val (NM_207171.2); c.3307A>G, p.Ile1103Val (NM_001194937.2); c.3148A>G, p.Ile1050Val (NM_001194938.2); c.3049A>G, p.Ile1017Val (NM_145796.4); short protein forms I1017V, I1112V, I1050V, I1059V, I1103V.
Identifiers: ClinVar variation 1030407 (VCV001030407.1), dbSNP rs1191231647, ClinGen allele CA341943871.

ClinVar aggregate classification (germline): Uncertain significance (1 of 4 stars; one submission).

Conditions:
Intellectual disability-microcephaly-strabismus-behavioral abnormalities syndrome. Also called: White-Sutton Syndrome. Identifiers: Orphanet 468678, MedGen C4225351, MONDO:0014606, OMIM 616364.

Allele frequency attached by ClinVar (database versions not stated): gnomAD exomes below 0.00001; gnomAD 0.00003 and 0.00004; TOPMed 0.00003.
gnomAD v4.1: 6 of 1,614,090 alleles (0.00037%); highest among the groups gnomAD compares: Admixed American, 0.005%; no homozygotes.

Submission:

Baylor Genetics
Classification: Uncertain significance for Intellectual disability-microcephaly-strabismus-behavioral abnormalities syndrome. Last evaluated: 2019-07-15. Review status: criteria provided, single submitter. Criteria: ACMG Guidelines, 2015. Collection method: clinical testing. Allele origin: unknown. Affected: yes.
Comment: This variant was determined to be of uncertain significance according to ACMG Guidelines, 2015 [PMID:25741868].